The following is an entry in ClinVar:

NM_024685.4(BBS10):c.1767C>G (p.Tyr589Ter)

Gene: BBS10 (Bardet-Biedl syndrome 10; minus strand). Cytogenetic location: 12q21.2.
Variant type: single nucleotide variant.
Coding change: c.1767C>G on transcript NM_024685.4 (MANE Select); coding-DNA position 1767, C replaced by G.
Protein change: p.Tyr589Ter; replaces tyrosine 589 with a stop codon.
Molecular consequence: nonsense.
Genome position (GRCh38, 1-based): chr12:76,346,218, G>C on the plus strand (C>G on the coding strand, the complement: BBS10 is on the minus strand). VCF-style: chr12-76346218-G-C. GRCh37 (hg19) VCF-style: chr12-76739998-G-C.
Other names: short protein forms Y589*.
Identifiers: ClinVar variation 2119850 (VCV002119850.4), dbSNP rs1565809409, ClinGen allele CA385809997.

ClinVar aggregate classification (germline): Pathogenic (1 of 4 stars; one submission).

Conditions:
Bardet-Biedl syndrome (BBS). Identifiers: Orphanet 110, MedGen C0752166, MONDO:0015229.

gnomAD v4.1: 1 of 1,611,704 alleles (0.000062%); highest among the groups gnomAD compares: Non-Finnish European, 0.000085%; no homozygotes.

Submission:

Labcorp Genetics (formerly Invitae), Labcorp
Classification: Pathogenic for Bardet-Biedl syndrome. Last evaluated: 2023-03-04. Review status: criteria provided, single submitter. Criteria: Invitae Variant Classification Sherloc (09022015). Collection method: clinical testing. Allele origin: germline.
Comment: This variant is not present in population databases (gnomAD no frequency). This sequence change creates a premature translational stop signal (p.Tyr589*) in the BBS10 gene. While this is not anticipated to result in nonsense mediated decay, it is expected to disrupt the last 135 amino acid(s) of the BBS10 protein. This premature translational stop signal has been observed in individual(s) with congenital heart disease (PMID: 28991257). ClinVar contains an entry for this variant (Variation ID: 2119850). This variant disrupts a region of the BBS10 protein in which other variant(s) (p.Val707*) have been determined to be pathogenic (PMID: 20472660, 22773737, 25982971, 27486776). This suggests that this is a clinically significant region of the protein, and that variants that disrupt it are likely to be disease-causing. For these reasons, this variant has been classified as Pathogenic.

Literature cited by the submitters: PubMed 28991257; PubMed 20472660; PubMed 22773737; PubMed 25982971; PubMed 27486776.